The following is an entry in ClinVar:

NM_003072.5(SMARCA4):c.35C>A (p.Pro12His)

Gene: SMARCA4 (SWI/SNF related BAF chromatin remodeling complex subunit ATPase 4; plus strand). Cytogenetic location: 19p13.2.
Variant type: single nucleotide variant.
Coding change: c.35C>A on transcript NM_003072.5 (MANE Select); coding-DNA position 35, C replaced by A.
Protein change: p.Pro12His; replaces proline 12 with histidine.
Molecular consequence: missense variant. On other transcripts: non-coding transcript variant (1).
Genome position (GRCh38, 1-based): chr19:10,984,186, C>A. VCF-style: chr19-10984186-C-A. GRCh37 (hg19) VCF-style: chr19-11094862-C-A.
Other names: c.35C>A, p.Pro12His (NM_001128844.3, NM_001128845.2, NM_001128846.2 and 6 more transcripts); short protein forms P12H.
Identifiers: ClinVar variation 2755837 (VCV002755837.3), dbSNP rs1201812441, ClinGen allele CA404053935.

ClinVar aggregate classification (germline): Uncertain significance (1 of 4 stars; one submission).

Conditions:
Rhabdoid tumor predisposition syndrome 2 (RTPS2). Identifiers: Orphanet 231108, Orphanet 69077, MedGen C2750074, MONDO:0013224, OMIM 613325.

Submission:

Labcorp Genetics (formerly Invitae), Labcorp
Classification: Uncertain significance for Rhabdoid tumor predisposition syndrome 2. Last evaluated: 2023-08-28. Review status: criteria provided, single submitter. Criteria: Invitae Variant Classification Sherloc (09022015). Collection method: clinical testing. Allele origin: germline.
Comment: This sequence change replaces proline, which is neutral and non-polar, with histidine, which is basic and polar, at codon 12 of the SMARCA4 protein (p.Pro12His). This variant is not present in population databases (gnomAD no frequency). This variant has not been reported in the literature in individuals affected with SMARCA4-related conditions. Advanced modeling of protein sequence and biophysical properties (such as structural, functional, and spatial information, amino acid conservation, physicochemical variation, residue mobility, and thermodynamic stability) has been performed at Invitae for this missense variant, however the output from this modeling did not meet the statistical confidence thresholds required to predict the impact of this variant on SMARCA4 protein function. In summary, the available evidence is currently insufficient to determine the role of this variant in disease. Therefore, it has been classified as a Variant of Uncertain Significance.